The following is an entry in ClinVar:

NC_000023.10:g.(?_154064066)_(154250999_?)dup

Genes: F8 (coagulation factor VIII; minus strand), F8A1 (coagulation factor VIII associated 1; plus strand), H2AB1 (H2A.B variant histone 1; plus strand). Cytogenetic location: Xq28.
Variant type: Duplication.
Identifiers: ClinVar variation 4853555 (VCV004853555.1).

ClinVar aggregate classification (germline): Uncertain significance (1 of 4 stars; one submission).

Submission:

Women's Health and Genetics/Laboratory Corporation of America, LabCorp
Classification: Uncertain significance. Last evaluated: 2026-05-05. Review status: criteria provided, single submitter. Criteria: LabCorp Variant Classification Summary - May 2015. Collection method: clinical testing. Allele origin: germline.
Comment: Variant summary: The variant involves the duplication of exons 1-26 in the F8 gene. This duplication includes the entire coding sequence of the gene. As exact breakpoints are unknown, it may extend beyond the annotated region of the gene, to include other flanking genes. A presumed nomenclature of c.(?_-172)_(*1806_?)dup has been designated for the purposes of this classification. The variant was absent in 16120 control chromosomes (gnomAD SVs). The available data on variant occurrences in the general population are insufficient to allow any conclusion about variant significance. To our knowledge, no occurrence of c.(?_-172)_(*1806_?)dup in individuals affected with F8-related conditions and no experimental evidence demonstrating its impact on protein function have been reported. No submitters have cited clinical-significance assessments for this variant to ClinVar. Based on the evidence outlined above, the variant was classified as uncertain significance.